The following is an entry in ClinVar:

NM_001211.6(BUB1B):c.1743del (p.Phe581fs)

Gene: BUB1B (BUB1 mitotic checkpoint serine/threonine kinase B; plus strand). Cytogenetic location: 15q15.1.
Variant type: Deletion.
Coding change: c.1743del on transcript NM_001211.6 (MANE Select); coding-DNA position 1743, one base deleted (T; older notation c.1743delT).
Protein change: p.Phe581fs; shifts the reading frame from phenylalanine 581.
Molecular consequence: frameshift variant.
Genome position (GRCh38, 1-based): chr15:40,206,192, T deleted; the last of 3 consecutive T bases (chr15:40,206,190-40,206,192); deleting any one gives the same sequence. VCF-style (leftmost placement, unchanged base first): chr15-40206189-AT-A. GRCh37 (hg19) VCF-style: chr15-40498390-AT-A.
Other names: short protein forms F581fs.
Identifiers: ClinVar variation 2196645 (VCV002196645.4), dbSNP rs1373474566, ClinGen allele CA712730043.

ClinVar aggregate classification (germline): Pathogenic (1 of 4 stars; one submission).

Conditions:
Mosaic variegated aneuploidy syndrome 1 (MVA1). Also called: Warburton-Anyane-Yeboa syndrome. Identifiers: Orphanet 1052, MedGen C1850343, MONDO:0009759, OMIM 257300.

Submission:

Labcorp Genetics (formerly Invitae), Labcorp
Classification: Pathogenic for Mosaic variegated aneuploidy syndrome 1. Last evaluated: 2022-02-02. Review status: criteria provided, single submitter. Criteria: Invitae Variant Classification Sherloc (09022015). Collection method: clinical testing. Allele origin: germline.
Comment: For these reasons, this variant has been classified as Pathogenic. This variant has not been reported in the literature in individuals affected with BUB1B-related conditions. This variant is not present in population databases (gnomAD no frequency). This sequence change creates a premature translational stop signal (p.Phe581Leufs*7) in the BUB1B gene. It is expected to result in an absent or disrupted protein product. Loss-of-function variants in BUB1B are known to be pathogenic (PMID: 15475955, 21190457).

Literature cited by the submitters: PubMed 15475955; PubMed 21190457.